The following is an entry in ClinVar:

ClinVar aggregate classification (germline): Likely benign. Review status: criteria provided, multiple submitters, no conflicts (2 of 4 stars). 2 submissions from 2 submitters: Likely benign (2). Last evaluated 2026-06-01.

Conditions:
Developmental and epileptic encephalopathy, 31A. Also called: Epileptic encephalopathy, early infantile, 31; Developmental and epileptic encephalopathy, 31. Identifiers: Orphanet 2382, MedGen C4225357, MONDO:0014598, OMIM 616346.

Allele frequency attached by ClinVar (database versions not stated): gnomAD exomes below 0.00001 and 0.00001; TOPMed below 0.00001; gnomAD 0.00001.
gnomAD v4.1: 15 of 1,613,984 alleles (0.00093%); highest among the groups gnomAD compares: East Asian, 0.0022%; no homozygotes.

Submissions (2):

CeGaT Center for Human Genetics Tuebingen
Classification: Likely benign. Last evaluated: 2026-06-01. Review status: criteria provided, single submitter. Criteria: CeGaT Center For Human Genetics Tuebingen Variant Classification Criteria Version 2. Collection method: clinical testing. Allele origin: germline. Affected: yes. Observed: 1 variant allele.
Comment: DNM1: BP4, BP7

Labcorp Genetics (formerly Invitae), Labcorp
Classification: Likely benign for Developmental and epileptic encephalopathy, 31A. Last evaluated: 2022-05-04. Review status: criteria provided, single submitter. Criteria: Invitae Variant Classification Sherloc (09022015). Collection method: clinical testing. Allele origin: germline.

NM_004408.4(DNM1):c.1269G>A (p.Pro423=)

Gene: DNM1 (dynamin 1; plus strand). Cytogenetic location: 9q34.11.
Variant type: single nucleotide variant.
Coding change: c.1269G>A on transcript NM_004408.4 (MANE Select); coding-DNA position 1269, G replaced by A.
Protein change: p.Pro423=; no amino-acid change (proline 423 retained).
Molecular consequence: synonymous variant. On other transcripts: intron variant (3).
Genome position (GRCh38, 1-based): chr9:128,224,323, G>A. VCF-style: chr9-128224323-G-A. GRCh37 (hg19) VCF-style: chr9-130986602-G-A.
Other names: c.1269G>A, p.Pro423= (NM_001005336.3, NM_001374269.1); c.1196+1463G>A (NM_001288738.2, NM_001288737.2, NM_001288739.2).
Identifiers: ClinVar variation 1632913 (VCV001632913.14), dbSNP rs1436554330, ClinGen allele CA467275951.